The following is an entry in ClinVar:

NM_033305.3(VPS13A):c.9431_9432del (p.Glu3144fs)

Gene: VPS13A (vacuolar protein sorting 13 homolog A; plus strand). Cytogenetic location: 9q21.2.
Variant type: Microsatellite.
Coding change: c.9431_9432del on transcript NM_033305.3 (MANE Select); coding-DNA positions 9431 to 9432, 2 bases deleted (AG; older notation c.9431_9432delAG).
Protein change: p.Glu3144fs; shifts the reading frame from glutamic acid 3144.
Molecular consequence: frameshift variant.
Genome position (GRCh38, 1-based): chr9:77,407,564-77,407,565, AG deleted; deleting any 2 consecutive bases within chr9:77,407,560-77,407,565 gives the same sequence; the c. name uses the placement nearest the transcript's 3' end. VCF-style (leftmost placement, unchanged base first): chr9-77407559-CAG-C. GRCh37 (hg19) VCF-style: chr9-80022475-CAG-C.
Other names: c.9314_9315del, p.Glu3105fs (NM_001018037.2); c.9431_9432del (NM_033305.2); c.9431_9432delAG (NM_033305.3); short protein forms E3105fs, E3144fs.
Identifiers: ClinVar variation 426695 (VCV000426695.29), dbSNP rs1085307750, ClinGen allele CA588488428.

ClinVar aggregate classification (germline): Pathogenic/Likely pathogenic. Review status: criteria provided, multiple submitters, no conflicts (2 of 4 stars). 7 submissions from 7 submitters: Pathogenic (4); Likely pathogenic (3). Last evaluated 2026-09-01.

Conditions:
VPS13A-related disorder. Also called: VPS13A-related condition.
VPS13A-related neurodegenerative disease. Also called: Choreaacanthocytosis; ACANTHOCYTOSIS WITH NEUROLOGIC DISORDER; Chorea-acanthocytosis; VPS13A Disease; LEVINE-CRITCHLEY SYNDROME; Choreoacanthocytosis. Identifiers: Orphanet 2388, MedGen C0393576, MONDO:0008695, OMIM 200150.

Submissions (7):

CeGaT Center for Human Genetics Tuebingen
Classification: Pathogenic. Last evaluated: 2026-09-01. Review status: criteria provided, single submitter. Criteria: CeGaT Center For Human Genetics Tuebingen Variant Classification Criteria Version 2. Collection method: clinical testing. Allele origin: germline. Affected: yes. Observed: 2 variant alleles.
Comment: VPS13A: PM3:Strong, PM2, PP1:Moderate, PVS1:Moderate

Labcorp Genetics (formerly Invitae), Labcorp
Classification: Pathogenic. Last evaluated: 2026-01-14. Review status: criteria provided, single submitter. Criteria: Invitae Variant Classification Sherloc (09022015). Collection method: clinical testing. Allele origin: germline.
Comment: This sequence change creates a premature translational stop signal (p.Glu3144Valfs*6) in the VPS13A gene. While this is not anticipated to result in nonsense mediated decay, it is expected to disrupt the last 31 amino acid(s) of the VPS13A protein. This variant is present in population databases (no rsID available, gnomAD 0.004%). This premature translational stop signal has been observed in individual(s) with Chorea-acanthocytosis (PMID: 12404112, 30713887, 31543803). It has also been observed to segregate with disease in related individuals. This variant is also known as 9431_9432delAG (p.3134Rfsx5). ClinVar contains an entry for this variant (Variation ID: 426695). For these reasons, this variant has been classified as Pathogenic.

Natera, Inc.
Classification: Likely pathogenic for Choreaacanthocytosis. Last evaluated: 2025-08-14. Review status: criteria provided, single submitter. Criteria: Natera Variant Classification Schema (03/2026). Collection method: clinical testing. Allele origin: germline.
Comment: The c.9431_9432delAG variant in VPS13A is a frameshift variant predicted to shift the reading frame beginning at codon 3144 and leads to a stop codon 6 codons downstream. This variant may result in a truncated or dysfunctional protein product. This variant is rare in the general population with a frequency below the threshold expected for the associated phenotype(s). This variant has been observed in one or more individuals affected with the associated recessive disease, as either homozygous or compound heterozygous with a second variant (PMID: 30713887, 30622839, 31543803). This variant has been observed to segregate in affected family members (PMID: 30713887, 30622839). Given the available evidence, this variant is classified as Likely Pathogenic.

GeneDx
Classification: Pathogenic. Last evaluated: 2025-04-10. Review status: criteria provided, single submitter. Criteria: GeneDx Variant Classification Process June 2021. Collection method: clinical testing. Allele origin: germline. Affected: yes.
Comment: Frameshift variant predicted to result in abnormal protein length as the last 31 amino acids are replaced with 5 different amino acids, and other similar variants have been reported in HGMD; Not observed at significant frequency in large population cohorts (gnomAD); This variant is associated with the following publications: (PMID: 12404112, 30713887, 31543803, 24077912)

Women's Health and Genetics/Laboratory Corporation of America, LabCorp
Classification: Pathogenic for VPS13A-related neurodegenerative disease. Last evaluated: 2024-11-26. Review status: criteria provided, single submitter. Criteria: LabCorp Variant Classification Summary - May 2015. Collection method: clinical testing. Allele origin: germline.
Comment: Variant summary: VPS13A c.9431_9432delAG (p.Glu3144ValfsX6) results in a premature termination codon, predicted to cause a truncation of the encoded protein or absence of the protein due to nonsense mediated decay, which are commonly known mechanisms for disease. The variant allele was found at a frequency of 1.2e-05 in 250700 control chromosomes. c.9431_9432delAG has been reported in the literature in multiple homozygous or compound heterozygous individuals affected with Choreoacanthocytosis or with clinical features strongly suggestive of the disease (e.g. Dobson-Stone_2002, Richard_2019, Murphy_2018, Merwick_2014). These data indicate that the variant is very likely to be associated with disease. To our knowledge, no experimental evidence demonstrating an impact on protein function has been reported. The following publications have been ascertained in the context of this evaluation (PMID: 12404112, 31543803, 30622839, 30713887). ClinVar contains an entry for this variant (Variation ID: 426695). Based on the evidence outlined above, the variant was classified as pathogenic.

Blueprint Genetics
Classification: Likely pathogenic for VPS13A-related disorders. Last evaluated: 2024-10-01. Review status: criteria provided, single submitter. Criteria: ACMG Guidelines, 2015. Collection method: clinical testing. Allele origin: germline. Affected: yes. Observed: 4 variant alleles.

Revvity Omics, Revvity
Classification: Likely pathogenic for VPS13A-related neurodegenerative disease. Last evaluated: 2022-03-30. Review status: criteria provided, single submitter. Criteria: ACMG Guidelines, 2015. Collection method: clinical testing. Allele origin: germline.

Literature cited by the submitters: PubMed 12404112 (cited by Labcorp Genetics (formerly Invitae), Labcorp and Women's Health and Genetics/Laboratory Corporation of America, LabCorp); PubMed 30713887 (cited by 3 submitters); PubMed 31543803 (cited by 3 submitters); PubMed 30622839 (cited by Natera, Inc. and Women's Health and Genetics/Laboratory Corporation of America, LabCorp).